The following is an entry in ClinVar:

NM_152703.5(SAMD9L):c.1022T>C (p.Leu341Pro)

Gene: SAMD9L (sterile alpha motif domain containing 9 like; minus strand). Cytogenetic location: 7q21.2.
Variant type: single nucleotide variant.
Coding change: c.1022T>C on transcript NM_152703.5 (MANE Select); coding-DNA position 1022, T replaced by C.
Protein change: p.Leu341Pro; replaces leucine 341 with proline.
Molecular consequence: missense variant.
Genome position (GRCh38, 1-based): chr7:93,134,950, A>G on the plus strand (T>C on the coding strand, the complement: SAMD9L is on the minus strand). VCF-style: chr7-93134950-A-G. GRCh37 (hg19) VCF-style: chr7-92764263-A-G.
Other names: c.1022T>C, p.Leu341Pro (NM_001303496.3, NM_001303497.3, NM_001303498.3 and 5 more transcripts); short protein forms L341P.
Identifiers: ClinVar variation 3437130 (VCV003437130.2).

ClinVar aggregate classification (germline): Uncertain significance. Review status: criteria provided, multiple submitters, no conflicts (2 of 4 stars). 2 submissions from 2 submitters: Uncertain significance (2). Last evaluated 2025-06-29.

Conditions:
Inborn genetic diseases. Identifiers: MedGen C0950123, MeSH D030342.

Submissions (2):

Labcorp Genetics (formerly Invitae), Labcorp
Classification: Uncertain significance. Last evaluated: 2025-06-29. Review status: criteria provided, single submitter. Criteria: Invitae Variant Classification Sherloc (09022015). Collection method: clinical testing. Allele origin: germline.
Comment: This sequence change replaces leucine, which is neutral and non-polar, with proline, which is neutral and non-polar, at codon 341 of the SAMD9L protein (p.Leu341Pro). This variant is present in population databases (no rsID available, gnomAD 0.002%). This variant has not been reported in the literature in individuals affected with SAMD9L-related conditions. ClinVar contains an entry for this variant (Variation ID: 3437130). Invitae Evidence Modeling of protein sequence and biophysical properties (such as structural, functional, and spatial information, amino acid conservation, physicochemical variation, residue mobility, and thermodynamic stability) indicates that this missense variant is not expected to disrupt SAMD9L protein function with a negative predictive value of 80%. In summary, the available evidence is currently insufficient to determine the role of this variant in disease. Therefore, it has been classified as a Variant of Uncertain Significance.

Ambry Genetics
Classification: Uncertain significance for Inborn genetic diseases. Last evaluated: 2024-10-02. Review status: criteria provided, single submitter. Criteria: Ambry Variant Classification Scheme 2023. Collection method: clinical testing. Allele origin: germline.
Comment: The p.L341P variant (also known as c.1022T>C), located in coding exon 1 of the SAMD9L gene, results from a T to C substitution at nucleotide position 1022. The leucine at codon 341 is replaced by proline, an amino acid with similar properties. This amino acid position is conserved. In addition, the in silico prediction for this alteration is inconclusive. Based on the available evidence, the clinical significance of this variant remains unclear.